The following is an entry in ClinVar:

ClinVar aggregate classification (germline): Uncertain significance (1 of 4 stars; one submission).

gnomAD v4.1: 1 of 1,602,850 alleles (0.000062%); highest among the groups gnomAD compares: Non-Finnish European, 0.000085%; no homozygotes.

Submission:

Women's Health and Genetics/Laboratory Corporation of America, LabCorp
Classification: Uncertain significance. Last evaluated: 2026-04-15. Review status: criteria provided, single submitter. Criteria: LabCorp Variant Classification Summary - May 2015. Collection method: clinical testing. Allele origin: germline.
Comment: Variant summary: ANKRD11 c.5722C>G (p.Pro1908Ala) results in a non-conservative amino acid change in the encoded protein sequence. Algorithms developed to predict the effect of missense changes on protein structure and function are either unavailable or do not agree on the potential impact of this missense change. The variant was absent in 246188 control chromosomes. The available data on variant occurrences in the general population are insufficient to allow any conclusion about variant significance. To our knowledge, no occurrence of c.5722C>G in individuals affected with ANKRD11-related conditions and no experimental evidence demonstrating its impact on protein function have been reported. No submitters have cited clinical-significance assessments for this variant to ClinVar. Based on the evidence outlined above, the variant was classified as uncertain significance.

NM_013275.6(ANKRD11):c.5722C>G (p.Pro1908Ala)

Gene: ANKRD11 (ankyrin repeat domain 11; minus strand). Cytogenetic location: 16q24.3.
Variant type: single nucleotide variant.
Coding change: c.5722C>G on transcript NM_013275.6 (MANE Select); coding-DNA position 5722, C replaced by G.
Protein change: p.Pro1908Ala; replaces proline 1908 with alanine.
Molecular consequence: missense variant.
Genome position (GRCh38, 1-based): chr16:89,280,820, G>C on the plus strand (C>G on the coding strand, the complement: ANKRD11 is on the minus strand). VCF-style: chr16-89280820-G-C. GRCh37 (hg19) VCF-style: chr16-89347228-G-C.
Other names: c.5722C>G, p.Pro1908Ala (NM_001256182.2, NM_001256183.2); short protein forms P1908A.
Identifiers: ClinVar variation 4848523 (VCV004848523.1).
Genomic context (GRCh38, chr16:89,280,820, plus strand): 5'-GCTCCGGGGGGATGATGGCGGCCGTCGCCTGCTGGTCCTCGGAGGTGTCCAGGTCCGGGG[G>C]AAGGGCCCCTTCGAGGGAAGGAACCAGCAGCTCGGCTCTGGGGGAAGGGGAAGGTTTTGC-3'
Protein context (NP_037407.4, residues 1898-1918): LLVPSLEGAL[Pro1908Ala]PDLDTSEDQQ